The following is an entry in ClinVar:

NM_001267550.2(TTN):c.66234A>C (p.Pro22078=)

Genes: TTN (titin; minus strand), TTN-AS1 (TTN antisense RNA 1; plus strand). Cytogenetic location: 2q31.2.
Variant type: single nucleotide variant.
Coding change: c.66234A>C on transcript NM_001267550.2 (MANE Select); coding-DNA position 66234, A replaced by C.
Protein change: p.Pro22078=; no amino-acid change (proline 22078 retained).
Molecular consequence: synonymous variant.
Genome position (GRCh38, 1-based): chr2:178,582,135, T>G on the plus strand (A>C on the coding strand, the complement: TTN is on the minus strand). VCF-style: chr2-178582135-T-G. GRCh37 (hg19) VCF-style: chr2-179446862-T-G.
Other names: c.61311A>C, p.Pro20437= (NM_001256850.1); c.39039A>C, p.Pro13013= (NM_003319.4); c.58530A>C, p.Pro19510= (NM_133378.4); c.39414A>C, p.Pro13138= (NM_133432.3); c.39615A>C, p.Pro13205= (NM_133437.4).
Identifiers: ClinVar variation 4821841 (VCV004821841.4).

ClinVar aggregate classification (germline): Likely benign (1 of 4 stars; one submission).

Submission:

CeGaT Center for Human Genetics Tuebingen
Classification: Likely benign. Last evaluated: 2026-03-01. Review status: criteria provided, single submitter. Criteria: CeGaT Center For Human Genetics Tuebingen Variant Classification Criteria Version 2. Collection method: clinical testing. Allele origin: germline. Affected: yes. Observed: 1 variant allele.
Comment: TTN: PM2:Supporting, BP4, BP7